The following is an entry in ClinVar:

ClinVar aggregate classification (germline): Uncertain significance. Review status: criteria provided, multiple submitters, no conflicts (2 of 4 stars). 2 submissions from 2 submitters: Uncertain significance (2). Last evaluated 2025-06-07.

Conditions:
Inborn genetic diseases. Identifiers: MedGen C0950123, MeSH D030342.

Allele frequency attached by ClinVar (database versions not stated): gnomAD exomes 0.00001; TOPMed 0.00004; ExAC 0.00005; gnomAD 0.00001.
gnomAD v4.1: 17 of 1,613,336 alleles (0.0011%); highest among the groups gnomAD compares: Admixed American, 0.005%; no homozygotes.

Submissions (2):

Ambry Genetics
Classification: Uncertain significance for Inborn genetic diseases. Last evaluated: 2025-06-07. Review status: criteria provided, single submitter. Criteria: Ambry Variant Classification Scheme 2023. Collection method: clinical testing. Allele origin: germline.

Labcorp Genetics (formerly Invitae), Labcorp
Classification: Uncertain significance. Last evaluated: 2023-12-21. Review status: criteria provided, single submitter. Criteria: Invitae Variant Classification Sherloc (09022015). Collection method: clinical testing. Allele origin: germline.
Comment: This sequence change replaces glutamic acid, which is acidic and polar, with lysine, which is basic and polar, at codon 2217 of the SPEG protein (p.Glu2217Lys). This variant is present in population databases (rs780656895, gnomAD 0.009%). This variant has not been reported in the literature in individuals affected with SPEG-related conditions. ClinVar contains an entry for this variant (Variation ID: 2200628). Algorithms developed to predict the effect of missense changes on protein structure and function output the following: SIFT: "Not Available"; PolyPhen-2: "Benign"; Align-GVGD: "Not Available". The lysine amino acid residue is found in multiple mammalian species, which suggests that this missense change does not adversely affect protein function. In summary, the available evidence is currently insufficient to determine the role of this variant in disease. Therefore, it has been classified as a Variant of Uncertain Significance.

NM_005876.5(SPEG):c.6649G>A (p.Glu2217Lys)

Genes: ASIC4-AS1 (ASIC4 antisense RNA 1; minus strand), SPEG (striated muscle enriched protein kinase; plus strand). Cytogenetic location: 2q35.
Variant type: single nucleotide variant.
Coding change: c.6649G>A on transcript NM_005876.5 (MANE Select); coding-DNA position 6649, G replaced by A.
Protein change: p.Glu2217Lys; replaces glutamic acid 2217 with lysine.
Molecular consequence: missense variant.
Genome position (GRCh38, 1-based): chr2:219,484,112, G>A. VCF-style: chr2-219484112-G-A. GRCh37 (hg19) VCF-style: chr2-220348834-G-A.
Other names: c.6649G>A (NM_005876.4); short protein forms E2217K.
Identifiers: ClinVar variation 2200628 (VCV002200628.3), dbSNP rs780656895, ClinGen allele CA2127071.